The following is an entry in ClinVar:

ClinVar aggregate classification (germline): Uncertain significance (1 of 4 stars; one submission).

Conditions:
Neuronal ceroid lipofuscinosis. Also called: Neuronal Ceroid Lipofuscinoses. Identifiers: Orphanet 216, Orphanet 79263, MedGen C0027877, MONDO:0016295. Disease mechanism: loss of function.

Allele frequency attached by ClinVar (database versions not stated): gnomAD exomes below 0.00001.
gnomAD v4.1: 1 of 1,614,134 alleles (0.000062%); highest among the groups gnomAD compares: Non-Finnish European, 0.000085%; no homozygotes.

Submission:

Labcorp Genetics (formerly Invitae), Labcorp
Classification: Uncertain significance for Neuronal ceroid lipofuscinosis. Last evaluated: 2022-04-10. Review status: criteria provided, single submitter. Criteria: Invitae Variant Classification Sherloc (09022015). Collection method: clinical testing. Allele origin: germline.
Comment: This sequence change replaces threonine, which is neutral and polar, with isoleucine, which is neutral and non-polar, at codon 128 of the CLN5 protein (p.Thr128Ile). This variant is not present in population databases (gnomAD no frequency). This variant has not been reported in the literature in individuals affected with CLN5-related conditions. Algorithms developed to predict the effect of missense changes on protein structure and function are either unavailable or do not agree on the potential impact of this missense change (SIFT: "Deleterious"; PolyPhen-2: "Benign"; Align-GVGD: "Class C0"). In summary, the available evidence is currently insufficient to determine the role of this variant in disease. Therefore, it has been classified as a Variant of Uncertain Significance.

NM_006493.4(CLN5):c.236C>T (p.Thr79Ile)

Gene: CLN5 (CLN5 lysosomal BMP synthase; plus strand). Cytogenetic location: 13q22.3.
Variant type: single nucleotide variant.
Coding change: c.236C>T on transcript NM_006493.4 (MANE Select); coding-DNA position 236, C replaced by T.
Protein change: p.Thr79Ile; replaces threonine 79 with isoleucine.
Molecular consequence: missense variant.
Genome position (GRCh38, 1-based): chr13:76,995,125, C>T. VCF-style: chr13-76995125-C-T. GRCh37 (hg19) VCF-style: chr13-77569260-C-T.
Other names: c.236C>T, p.Thr79Ile (NM_001366624.2); short protein forms T79I, T128I.
Identifiers: ClinVar variation 2119735 (VCV002119735.1), dbSNP rs2501135417, ClinGen allele CA388307917.